The following is an entry in ClinVar:

ClinVar aggregate classification (germline): Uncertain significance (1 of 4 stars; one submission).

Conditions:
Wiskott-Aldrich syndrome 2 (WAS2). Also called: WIPF1 DEFICIENCY. Identifiers: Orphanet 906, MedGen C3281001, MONDO:0013779, OMIM 614493.

Allele frequency attached by ClinVar (database versions not stated): gnomAD exomes below 0.00001; TOPMed below 0.00001; gnomAD 0.00001; ExAC 0.00002.
gnomAD v4.1: 4 of 1,613,012 alleles (0.00025%); highest among the groups gnomAD compares: African/African-American, 0.0027%; no homozygotes.

Submission:

Labcorp Genetics (formerly Invitae), Labcorp
Classification: Uncertain significance for Wiskott-Aldrich syndrome 2. Last evaluated: 2022-04-19. Review status: criteria provided, single submitter. Criteria: Invitae Variant Classification Sherloc (09022015). Collection method: clinical testing. Allele origin: germline.
Comment: Algorithms developed to predict the effect of missense changes on protein structure and function are either unavailable or do not agree on the potential impact of this missense change (SIFT: "Not Available"; PolyPhen-2: "Probably Damaging"; Align-GVGD: "Not Available"). This sequence change replaces proline, which is neutral and non-polar, with leucine, which is neutral and non-polar, at codon 309 of the WIPF1 protein (p.Pro309Leu). This variant is present in population databases (rs780660555, gnomAD 0.01%). This variant has not been reported in the literature in individuals affected with WIPF1-related conditions. In summary, the available evidence is currently insufficient to determine the role of this variant in disease. Therefore, it has been classified as a Variant of Uncertain Significance.

NM_001375834.1(WIPF1):c.926C>T (p.Pro309Leu)

Gene: WIPF1 (WAS/WASL interacting protein family member 1; minus strand). Cytogenetic location: 2q31.1.
Variant type: single nucleotide variant.
Coding change: c.926C>T on transcript NM_001375834.1 (MANE Select); coding-DNA position 926, C replaced by T.
Protein change: p.Pro309Leu; replaces proline 309 with leucine.
Molecular consequence: missense variant.
Genome position (GRCh38, 1-based): chr2:174,571,879, G>A on the plus strand (C>T on the coding strand, the complement: WIPF1 is on the minus strand). VCF-style: chr2-174571879-G-A. GRCh37 (hg19) VCF-style: chr2-175436607-G-A.
Other names: c.926C>T, p.Pro309Leu (NM_001077269.1, NM_001375832.1, NM_001375833.1 and 5 more transcripts); c.548C>T, p.Pro183Leu (NM_001375839.1); short protein forms P183L, P309L.
Identifiers: ClinVar variation 1980031 (VCV001980031.4), dbSNP rs780660555, ClinGen allele CA1974030.